The following is an entry in ClinVar:

NM_001385562.1(ARPP21):c.2325G>T (p.Gln775His)

Gene: ARPP21 (cAMP regulated phosphoprotein 21; plus strand). Cytogenetic location: 3p22.3.
Variant type: single nucleotide variant.
Coding change: c.2325G>T on transcript NM_001385562.1 (MANE Select); coding-DNA position 2325, G replaced by T.
Protein change: p.Gln775His; replaces glutamine 775 with histidine.
Molecular consequence: missense variant. On other transcripts: non-coding transcript variant (10).
Genome position (GRCh38, 1-based): chr3:35,793,739, G>T. VCF-style: chr3-35793739-G-T. GRCh37 (hg19) VCF-style: chr3-35835231-G-T.
Other names: c.2163G>T, p.Gln721His (NM_001267617.2, NM_001385488.1, NM_001385489.1 and 9 more transcripts); c.2223G>T, p.Gln741His (NM_001267619.2, NM_001385484.1, NM_001385485.1 and 5 more transcripts); c.2325G>T, p.Gln775His (NM_001385490.1, NM_001385592.1, NM_001385593.1 and 1 more transcripts); c.2019G>T, p.Gln673His (NM_001385491.1); c.2322G>T, p.Gln774His (NM_001385495.1, NM_001385591.1); c.2145G>T, p.Gln715His (NM_001385496.1); c.1884G>T, p.Gln628His (NM_001385517.1); c.2220G>T, p.Gln740His (NM_001385536.1, NM_001385585.1, NM_016300.5); and 8 more; short protein forms Q487H, Q491H, Q511H, Q628H, Q673H, Q715H, Q718H, Q719H.
Identifiers: ClinVar variation 2506387 (VCV002506387.2), dbSNP rs2470990060, ClinGen allele CA352309421.

ClinVar aggregate classification (germline): Uncertain significance (0 of 4 stars; one submission).

Conditions:
Monomelic amyotrophy. Also called: HIRAYAMA DISEASE. Identifiers: Orphanet 65684, MedGen C1865384, MONDO:0011224, OMIM 602440.

Submission:

Department of Research, Sir Ganga Ram Hospital
Classification: Uncertain significance for Monomelic Amyotrophy. Review status: no assertion criteria provided. Collection method: research. Allele origin: inherited. Inheritance: Autosomal dominant inheritance. Affected: yes. Observed: 2 variant alleles.
Comment: A novel heterozygous variant in ARPP21 gene was observed in a father-son duo suffering from Monomelic Amyotrophy.